The following is an entry in ClinVar:

NM_174936.4(PCSK9):c.946G>A (p.Gly316Ser)

Gene: PCSK9 (proprotein convertase subtilisin/kexin type 9; plus strand). Cytogenetic location: 1p32.3.
Variant type: single nucleotide variant.
Coding change: c.946G>A on transcript NM_174936.4 (MANE Select); coding-DNA position 946, G replaced by A.
Protein change: p.Gly316Ser; replaces glycine 316 with serine.
Molecular consequence: missense variant.
Genome position (GRCh38, 1-based): chr1:55,056,139, G>A. VCF-style: chr1-55056139-G-A. GRCh37 (hg19) VCF-style: chr1-55521812-G-A.
Other names: c.1069G>A, p.Gly357Ser (NM_001407240.1); c.946G>A, p.Gly316Ser (NM_001407241.1, NM_001407244.1, NM_001407247.1); c.949G>A, p.Gly317Ser (NM_001407242.1); c.889G>A, p.Gly297Ser (NM_001407243.1); c.754G>A, p.Gly252Ser (NM_001407245.1); c.571G>A, p.Gly191Ser (NM_001407246.1); short protein forms G316S, G191S, G252S, G297S, G317S, G357S.
Identifiers: ClinVar variation 920359 (VCV000920359.11), dbSNP rs554488891, ClinGen allele CA045139.

ClinVar aggregate classification (germline): Uncertain significance. Review status: criteria provided, multiple submitters, no conflicts (2 of 4 stars). 3 submissions from 3 submitters: Uncertain significance (3). Last evaluated 2024-10-07.

Conditions:
Familial hypercholesterolemia. Also called: Familial hypercholesterolemias; Familial hypercholesterolaemia. Identifiers: MedGen C0020445, MONDO:0005439.
Hypercholesterolemia, autosomal dominant, 3 (FHCL3). Also called: Familial hypercholesterolemia 3; Familial Hypercholesterolemia, Autosomal Dominant, 3; PCSK9-Related Familial Hypercholesterolemia, Autosomal Dominant. Identifiers: MedGen C1863551, MONDO:0011369, OMIM 603776.

Allele frequency attached by ClinVar (database versions not stated): TOPMed below 0.00001.
gnomAD v4.1: 2 of 1,555,122 alleles (0.00013%); highest among the groups gnomAD compares: Admixed American, 0.0018%; no homozygotes.

Submissions (3):

Color Diagnostics, LLC DBA Color Health
Classification: Uncertain significance for Familial hypercholesterolemia. Last evaluated: 2024-10-07. Review status: criteria provided, single submitter. Criteria: ACMG Guidelines, 2015. Collection method: clinical testing. Allele origin: germline.
Comment: This missense variant replaces glycine with serine at codon 316 of the PCSK9 protein. Computational prediction suggests that this variant may have deleterious impact on protein structure and function. To our knowledge, functional studies have not been reported for this variant. This variant has not been reported in individuals affected with PCSK9-related disorders in the literature. This variant has been identified in 1/198574 chromosomes in the general population by the Genome Aggregation Database (gnomAD). The available evidence is insufficient to determine the role of this variant in disease conclusively. Therefore, this variant is classified as a Variant of Uncertain Significance.

All of Us Research Program, National Institutes of Health
Classification: Uncertain significance for Hypercholesterolemia, autosomal dominant, 3. Last evaluated: 2023-08-15. Review status: criteria provided, single submitter. Criteria: ACMG Guidelines, 2015. Collection method: clinical testing. Allele origin: germline. Inheritance: Autosomal dominant inheritance. Observed: 1 variant allele, 1 heterozygote.
Comment: This missense variant replaces glycine with serine at codon 316 of the PCSK9 protein. Computational prediction tool suggests that this variant may have deleterious impact on protein structure and function (internally defined REVEL score threshold >=0.7, PMID: 27666373). Splice site prediction tools suggest that this variant may not impact RNA splicing. To our knowledge, functional studies have not been performed for this variant. This variant has not been reported in individuals affected with familial hypercholesterolemia in the literature. This variant has been identified in 1/198574 chromosomes in the general population by the Genome Aggregation Database (gnomAD). The available evidence is insufficient to determine the role of this variant in disease conclusively. Therefore, this variant is classified as a Variant of Uncertain Significance.

This study involves interpretation of variants in research participants for the purpose of population health screening. Participant phenotype was not available at the time of variant classification. Additional details can be found in publication PMID: 35346344, PMCID: PMC8962531

Labcorp Genetics (formerly Invitae), Labcorp
Classification: Uncertain significance for Hypercholesterolemia, autosomal dominant, 3. Last evaluated: 2021-08-27. Review status: criteria provided, single submitter. Criteria: Invitae Variant Classification Sherloc (09022015). Collection method: clinical testing. Allele origin: germline.
Comment: This sequence change replaces glycine with serine at codon 316 of the PCSK9 protein (p.Gly316Ser). The glycine residue is highly conserved and there is a small physicochemical difference between glycine and serine. This variant is present in population databases (rs554488891, ExAC 0.02%). This variant has not been reported in the literature in individuals affected with PCSK9-related conditions. ClinVar contains an entry for this variant (Variation ID: 920359). Advanced modeling of protein sequence and biophysical properties (such as structural, functional, and spatial information, amino acid conservation, physicochemical variation, residue mobility, and thermodynamic stability) performed at Invitae indicates that this missense variant is expected to disrupt PCSK9 protein function. Algorithms developed to predict the effect of sequence changes on RNA splicing suggest that this variant may create or strengthen a splice site. In summary, the available evidence is currently insufficient to determine the role of this variant in disease. Therefore, it has been classified as a Variant of Uncertain Significance.